The following is an entry in ClinVar:

NM_000210.4(ITGA6):c.2506-2A>C

Genes: ITGA6 (integrin subunit alpha 6; plus strand), PDK1-AS1 (PDK1 and ITGA6 antisense RNA 1; minus strand). Cytogenetic location: 2q31.1.
Variant type: single nucleotide variant.
Coding change: c.2506-2A>C on transcript NM_000210.4 (MANE Select); the canonical splice acceptor site of the intron before coding-DNA position 2506, A replaced by C.
Molecular consequence: splice acceptor variant.
Genome position (GRCh38, 1-based): chr2:172,489,483, A>C. VCF-style: chr2-172489483-A-C. GRCh37 (hg19) VCF-style: chr2-173354211-A-C.
Other names: c.2149-2A>C (NM_001316306.2); c.2623-2A>C (NM_001394928.1); c.2506-2A>C (NM_001079818.3, NM_001365530.2, NM_001365529.2).
Identifiers: ClinVar variation 2842064 (VCV002842064.3), dbSNP rs112265473, ClinGen allele CA349295323.

ClinVar aggregate classification (germline): Likely pathogenic (1 of 4 stars; one submission).

Allele frequency attached by ClinVar (database versions not stated): gnomAD exomes below 0.00001.
gnomAD v4.1: 1 of 1,607,352 alleles (0.000062%); highest among the groups gnomAD compares: Non-Finnish European, 0.000085%; no homozygotes.

Submission:

Labcorp Genetics (formerly Invitae), Labcorp
Classification: Likely pathogenic. Last evaluated: 2023-10-09. Review status: criteria provided, single submitter. Criteria: Invitae Variant Classification Sherloc (09022015). Collection method: clinical testing. Allele origin: germline.
Comment: This sequence change affects an acceptor splice site in intron 19 of the ITGA6 gene. It is expected to disrupt RNA splicing. Variants that disrupt the donor or acceptor splice site typically lead to a loss of protein function (PMID: 16199547), and loss-of-function variants in ITGA6 are known to be pathogenic (PMID: 9158140, 9185503, 9804362, 27607025). This variant is not present in population databases (gnomAD no frequency). This variant has not been reported in the literature in individuals affected with ITGA6-related conditions. Algorithms developed to predict the effect of sequence changes on RNA splicing suggest that this variant may disrupt the consensus splice site. In summary, the currently available evidence indicates that the variant is pathogenic, but additional data are needed to prove that conclusively. Therefore, this variant has been classified as Likely Pathogenic.

Literature cited by the submitters: PubMed 16199547; PubMed 9158140; PubMed 9185503; PubMed 9804362; PubMed 27607025.